The following is an entry in ClinVar:

NM_000091.5(COL4A3):c.2192T>A (p.Leu731Ter)

Genes: COL4A3 (collagen type IV alpha 3 chain; plus strand), MFF-DT (MFF divergent transcript; minus strand). Cytogenetic location: 2q36.3.
Variant type: single nucleotide variant.
Coding change: c.2192T>A on transcript NM_000091.5 (MANE Select); coding-DNA position 2192, T replaced by A.
Protein change: p.Leu731Ter; replaces leucine 731 with a stop codon.
Molecular consequence: nonsense.
Genome position (GRCh38, 1-based): chr2:227,279,859, T>A. VCF-style: chr2-227279859-T-A. GRCh37 (hg19) VCF-style: chr2-228144575-T-A.
Other names: short protein forms L731*.
Identifiers: ClinVar variation 1724211 (VCV001724211.2), dbSNP rs2469748132, ClinGen allele CA350847815.

ClinVar aggregate classification (germline): Likely pathogenic (1 of 4 stars; one submission).

Conditions:
Autosomal recessive Alport syndrome (ATS2). Also called: COL4A3-Related Nephropathy; COL4A4 Alport Syndrome and Thin Basement Membrane Nephropathy; ALPORT SYNDROME 2, AUTOSOMAL RECESSIVE; Alport syndrome type 2. Identifiers: Orphanet 63, Orphanet 88919, MedGen C4746745, MONDO:0008762, OMIM 203780.

Submission:

Myriad Genetics, Inc.
Classification: Likely pathogenic for Autosomal recessive Alport syndrome. Last evaluated: 2022-02-02. Review status: criteria provided, single submitter. Criteria: Myriad Women's Health Autosomal Recessive and X-Linked Classification Criteria (2021). Collection method: clinical testing. Allele origin: unknown.
Comment: NM_000091.4(COL4A3):c.2192T>A(L731*) is expected to be pathogenic in the context of COL4A3-related Alport syndrome. This variant is predicted to lead to an abnormal or absent protein product due to the creation of a premature termination codon in COL4A3, a gene where loss-of-function variants are known to be pathogenic. Please note: this variant was assessed in the context of healthy population screening.